The following is an entry in ClinVar:

ClinVar aggregate classification (germline): Uncertain significance (1 of 4 stars; one submission).

Conditions:
Spastic paraplegia. Identifiers: MedGen C0037772, HP:0001258.

Submission:

Labcorp Genetics (formerly Invitae), Labcorp
Classification: Uncertain significance for Spastic paraplegia. Last evaluated: 2022-05-08. Review status: criteria provided, single submitter. Criteria: Invitae Variant Classification Sherloc (09022015). Collection method: clinical testing. Allele origin: germline.
Comment: This sequence change replaces lysine, which is basic and polar, with asparagine, which is neutral and polar, at codon 1180 of the ZFYVE26 protein (p.Lys1180Asn). This variant is not present in population databases (gnomAD no frequency). This variant has not been reported in the literature in individuals affected with ZFYVE26-related conditions. Algorithms developed to predict the effect of missense changes on protein structure and function are either unavailable or do not agree on the potential impact of this missense change (SIFT: "Deleterious"; PolyPhen-2: "Benign"; Align-GVGD: "Class C0"). In summary, the available evidence is currently insufficient to determine the role of this variant in disease. Therefore, it has been classified as a Variant of Uncertain Significance.

NM_015346.4(ZFYVE26):c.3540G>C (p.Lys1180Asn)

Gene: ZFYVE26 (zinc finger FYVE-type containing 26; minus strand). Cytogenetic location: 14q24.1.
Variant type: single nucleotide variant.
Coding change: c.3540G>C on transcript NM_015346.4 (MANE Select); coding-DNA position 3540, G replaced by C.
Protein change: p.Lys1180Asn; replaces lysine 1180 with asparagine.
Molecular consequence: missense variant.
Genome position (GRCh38, 1-based): chr14:67,784,420, C>G on the plus strand (G>C on the coding strand, the complement: ZFYVE26 is on the minus strand). VCF-style: chr14-67784420-C-G. GRCh37 (hg19) VCF-style: chr14-68251137-C-G.
Other names: short protein forms K1180N.
Identifiers: ClinVar variation 2118862 (VCV002118862.4), dbSNP rs2502811280, ClinGen allele CA390172002.